The following is an entry in ClinVar:

ClinVar aggregate classification (germline): Uncertain significance (1 of 4 stars; one submission).

Submission:

Labcorp Genetics (formerly Invitae), Labcorp
Classification: Uncertain significance. Last evaluated: 2022-01-04. Review status: criteria provided, single submitter. Criteria: Invitae Variant Classification Sherloc (09022015). Collection method: clinical testing. Allele origin: germline.
Comment: This variant has not been reported in the literature in individuals affected with APOL1-related conditions. In summary, the available evidence is currently insufficient to determine the role of this variant in disease. Therefore, it has been classified as a Variant of Uncertain Significance. Algorithms developed to predict the effect of missense changes on protein structure and function output the following: SIFT: "Tolerated"; PolyPhen-2: "Benign"; Align-GVGD: "Class C0". The threonine amino acid residue is found in multiple mammalian species, which suggests that this missense change does not adversely affect protein function. This variant is not present in population databases (gnomAD no frequency). This sequence change replaces arginine, which is basic and polar, with threonine, which is neutral and polar, at codon 120 of the APOL1 protein (p.Arg120Thr).

NM_003661.4(APOL1):c.359G>C (p.Arg120Thr)

Gene: APOL1 (apolipoprotein L1; plus strand). Cytogenetic location: 22q12.3.
Variant type: single nucleotide variant.
Coding change: c.359G>C on transcript NM_003661.4 (MANE Select); coding-DNA position 359, G replaced by C.
Protein change: p.Arg120Thr; replaces arginine 120 with threonine.
Molecular consequence: missense variant.
Genome position (GRCh38, 1-based): chr22:36,265,195, G>C. VCF-style: chr22-36265195-G-C. GRCh37 (hg19) VCF-style: chr22-36661241-G-C.
Other names: c.359G>C, p.Arg120Thr (NM_001136540.2); c.305G>C, p.Arg102Thr (NM_001136541.2, NM_001362927.2); c.407G>C, p.Arg136Thr (NM_145343.3); short protein forms R120T, R136T, R102T.
Identifiers: ClinVar variation 2074212 (VCV002074212.4), dbSNP rs2517926534, ClinGen allele CA411366288.
Genomic context (GRCh38, chr22:36,265,195, plus strand): 5'-ACCTTTCCTTGTGCAGGAATGAGGCAGATGAGCTCCGTAAAGCTCTGGACAACCTTGCAA[G>C]ACAAATGATCATGAAAGACAAAAACTGGCACGATAAAGGCCAGCAGTACAGAAACTGGTT-3'
Protein context (NP_003652.2, residues 110-130): ELRKALDNLA[Arg120Thr]QMIMKDKNWH